The following is an entry in ClinVar:

ClinVar aggregate classification (germline): Uncertain significance (1 of 4 stars; one submission).

gnomAD v4.1: 7 of 1,605,006 alleles (0.00044%); highest among the groups gnomAD compares: East Asian, 0.0068%; no homozygotes.

Submission:

Labcorp Genetics (formerly Invitae), Labcorp
Classification: Uncertain significance. Last evaluated: 2025-10-09. Review status: criteria provided, single submitter. Criteria: Invitae Variant Classification Sherloc (09022015). Collection method: clinical testing. Allele origin: germline.
Comment: This sequence change replaces arginine, which is basic and polar, with tryptophan, which is neutral and slightly polar, at codon 740 of the C3 protein (p.Arg740Trp). This variant is not present in population databases (gnomAD no frequency). This variant has not been reported in the literature in individuals affected with C3-related conditions. Invitae Evidence Modeling of protein sequence and biophysical properties (such as structural, functional, and spatial information, amino acid conservation, physicochemical variation, residue mobility, and thermodynamic stability) indicates that this missense variant is expected to disrupt C3 protein function with a positive predictive value of 80%. In summary, the available evidence is currently insufficient to determine the role of this variant in disease. Therefore, it has been classified as a Variant of Uncertain Significance.

NM_000064.4(C3):c.2218C>T (p.Arg740Trp)

Gene: C3 (complement C3; minus strand). Cytogenetic location: 19p13.3.
Variant type: single nucleotide variant.
Coding change: c.2218C>T on transcript NM_000064.4 (MANE Select); coding-DNA position 2218, C replaced by T.
Protein change: p.Arg740Trp; replaces arginine 740 with tryptophan.
Molecular consequence: missense variant.
Genome position (GRCh38, 1-based): chr19:6,707,103, G>A on the plus strand (C>T on the coding strand, the complement: C3 is on the minus strand). VCF-style: chr19-6707103-G-A. GRCh37 (hg19) VCF-style: chr19-6707114-G-A.
Other names: short protein forms R740W.
Identifiers: ClinVar variation 4772577 (VCV004772577.1).
Genomic context (GRCh38, chr19:6,707,103, plus strand): 5'-CCCCTCCCCCTGTCCCCACCCCGTGGGACCTACTCCTGGCCAGGCCCAGGTGGCTGGCCC[G>A]CGCGTGCTGCCGCCGCAGCTCTGTGATGTAGTTGCAGCAGTCCAGGAAGACCTTCTTGCA-3'
Protein context (NP_000055.2, residues 730-750): YITELRRQHA[Arg740Trp]ASHLGLARSN